The following is an entry in ClinVar:

ClinVar aggregate classification (germline): Uncertain significance (1 of 4 stars; one submission).

gnomAD v4.1: 29 of 1,614,156 alleles (0.0018%); highest among the groups gnomAD compares: Admixed American, 0.045%; no homozygotes.

Submission:

GeneDx
Classification: Uncertain significance. Last evaluated: 2023-04-27. Review status: criteria provided, single submitter. Criteria: GeneDx Variant Classification Process June 2021. Collection method: clinical testing. Allele origin: germline. Affected: yes.
Comment: Has not been previously published as pathogenic or benign to our knowledge; In silico analysis supports that this missense variant has a deleterious effect on protein structure/function

NM_173076.3(ABCA12):c.4367A>T (p.His1456Leu)

Gene: ABCA12 (ATP binding cassette subfamily A member 12; minus strand). Cytogenetic location: 2q35.
Variant type: single nucleotide variant.
Coding change: c.4367A>T on transcript NM_173076.3 (MANE Select); coding-DNA position 4367, A replaced by T.
Protein change: p.His1456Leu; replaces histidine 1456 with leucine.
Molecular consequence: missense variant. On other transcripts: non-coding transcript variant (1).
Genome position (GRCh38, 1-based): chr2:214,983,662, T>A on the plus strand (A>T on the coding strand, the complement: ABCA12 is on the minus strand). VCF-style: chr2-214983662-T-A. GRCh37 (hg19) VCF-style: chr2-215848386-T-A.
Other names: c.3413A>T, p.His1138Leu (NM_015657.4); short protein forms H1138L, H1456L.
Identifiers: ClinVar variation 3343171 (VCV003343171.1).
Genomic context (GRCh38, chr2:214,983,662, plus strand): 5'-TGAGAGGAGTTAGCAACTTAGGTTCTCATTCCTGTCTTAACTTGCCTTTTTACTTCCTCG[T>A]GGAGCTGCTTTTTAGTCCAGTGAGGAACTTTGATGGAACCATATAGGAGAAGGTGCTCCT-3'
Protein context (NP_775099.2, residues 1446-1466): KVPHWTKKQL[His1456Leu]EEVKRTLKDT